The following is an entry in ClinVar:

NM_021098.3(CACNA1H):c.2471C>T (p.Ala824Val)

Gene: CACNA1H (calcium voltage-gated channel subunit alpha1 H; plus strand). Cytogenetic location: 16p13.3.
Variant type: single nucleotide variant.
Coding change: c.2471C>T on transcript NM_021098.3 (MANE Select); coding-DNA position 2471, C replaced by T.
Protein change: p.Ala824Val; replaces alanine 824 with valine.
Molecular consequence: missense variant.
Genome position (GRCh38, 1-based): chr16:1,205,133, C>T. VCF-style: chr16-1205133-C-T. GRCh37 (hg19) VCF-style: chr16-1255133-C-T.
Other names: c.2471C>T, p.Ala824Val (NM_001005407.2); short protein forms A824V.
Identifiers: ClinVar variation 1016613 (VCV001016613.10), dbSNP rs772602372, ClinGen allele CA7800306.

ClinVar aggregate classification (germline): Conflicting classifications of pathogenicity. Review status: criteria provided, conflicting classifications (1 of 4 stars). 4 submissions from 4 submitters: Uncertain significance (3); Likely benign (1). Last evaluated 2024-11-01.

Conditions:
Hyperaldosteronism, familial, type IV (HALD4). Also called: FH IV; ALDOSTERONISM, PRIMARY, AND HYPERTENSION. Identifiers: Orphanet 642671, MedGen C4310756, MONDO:0014875, OMIM 617027.
Idiopathic generalized epilepsy. Also called: Generalised epilepsy; EIG. Identifiers: MedGen C0270850, MONDO:0005579, OMIM 600669.
Epilepsy, childhood absence, susceptibility to, 6. Identifiers: Orphanet 64280, MedGen C2749872, MONDO:0012763, OMIM 611942.

Allele frequency attached by ClinVar (database versions not stated): gnomAD exomes 0.00001; TOPMed 0.00001; ExAC 0.00002.
gnomAD v4.1: 11 of 1,612,460 alleles (0.00068%); highest among the groups gnomAD compares: South Asian, 0.0033%; no homozygotes.

Submissions (4):

Blueprint Genetics
Classification: Likely benign. Last evaluated: 2024-11-01. Review status: criteria provided, single submitter. Criteria: ACMG Guidelines, 2015. Collection method: clinical testing. Allele origin: germline.

Fulgent Genetics
Classification: Uncertain significance for Epilepsy, childhood absence, susceptibility to, 6; Hyperaldosteronism, familial, type IV. Last evaluated: 2024-03-30. Review status: criteria provided, single submitter. Criteria: ACMG Guidelines, 2015. Collection method: clinical testing. Allele origin: germline.

Labcorp Genetics (formerly Invitae), Labcorp
Classification: Uncertain significance for Idiopathic generalized epilepsy; Hyperaldosteronism, familial, type IV. Last evaluated: 2023-11-13. Review status: criteria provided, single submitter. Criteria: Invitae Variant Classification Sherloc (09022015). Collection method: clinical testing. Allele origin: germline.
Comment: This sequence change replaces alanine, which is neutral and non-polar, with valine, which is neutral and non-polar, at codon 824 of the CACNA1H protein (p.Ala824Val). This variant is present in population databases (rs772602372, gnomAD 0.007%). This variant has not been reported in the literature in individuals affected with CACNA1H-related conditions. ClinVar contains an entry for this variant (Variation ID: 1016613). Advanced modeling of protein sequence and biophysical properties (such as structural, functional, and spatial information, amino acid conservation, physicochemical variation, residue mobility, and thermodynamic stability) performed at Invitae indicates that this missense variant is not expected to disrupt CACNA1H protein function with a negative predictive value of 80%. In summary, the available evidence is currently insufficient to determine the role of this variant in disease. Therefore, it has been classified as a Variant of Uncertain Significance.

Victorian Clinical Genetics Services, Murdoch Childrens Research Institute
Classification: Uncertain significance for Hyperaldosteronism, familial, type IV. Last evaluated: 2021-05-06. Review status: criteria provided, single submitter. Criteria: ACMG Guidelines, 2015. Collection method: clinical testing. Allele origin: germline. Inheritance: Autosomal dominant inheritance. Affected: yes.
Comment: Based on the classification scheme VCGS_Germline_v1.3.4, this variant is classified as VUS-3A. Following criteria are met: 0101 - Gain of function is a known mechanism of disease in this gene and is associated with familial hyperaldosteronism (MIM#617027). Pathogenic variants have been shown to lead to impaired channel inactivation and activation at more hyperpolarized potentials (PMID: 25907736, 27729216). (I) 0107 - This gene is associated with autosomal dominant disease. (I) 0112 - The condition associated with this gene has incomplete penetrance. A recurrent Met1549Val variant has been reported in affected individuals inherited from an unaffected parent (PMID: 25907736). (I) 0200 - Variant is predicted to result in a missense amino acid change from alanine to valine. (I) 0251 - This variant is heterozygous. (I) 0302 - Variant is present in gnomAD (v2) <0.001 for a dominant condition (3 heterozygotes, 0 homozygotes). (SP) 0309 - An alternative amino acid change at the same position has been observed in gnomAD (v2) (3 heterozygotes, 0 homozygotes). (I) 0502 - Missense variant with conflicting in silico predictions and uninformative conservation. (I) 0600 - Variant is located in the annotated ion transporter domain (Pfam). (I) 0705 - No comparable missense variants have previous evidence for pathogenicity. (I) 0809 - Previous evidence of pathogenicity for this variant is inconclusive. This variant has been reported as a VUS in the ClinVar database. (I) 0905 - No published segregation evidence has been identified for this variant. (I) 1007 - No published functional evidence has been identified for this variant. (I) 1102 - Strong phenotype match for this individual. (SP) 1208 - Inheritance information for this variant is not currently available in this individual. (I) Legend: (SP) - Supporting pathogenic, (I) - Information, (SB) - Supporting benign

Literature cited by the submitters: PubMed 25907736 (cited by Victorian Clinical Genetics Services, Murdoch Childrens Research Institute); PubMed 27729216 (cited by Victorian Clinical Genetics Services, Murdoch Childrens Research Institute).